The following is an entry in ClinVar:

ClinVar aggregate classification (germline): Uncertain significance. Review status: criteria provided, multiple submitters, no conflicts (2 of 4 stars). 2 submissions from 2 submitters: Uncertain significance (2). Last evaluated 2024-12-02.

Conditions:
Inborn genetic diseases. Identifiers: MedGen C0950123, MeSH D030342.

Allele frequency attached by ClinVar (database versions not stated): gnomAD 0.00002; TOPMed 0.00002.
gnomAD v4.1: 10 of 1,613,928 alleles (0.00062%); highest among the groups gnomAD compares: Non-Finnish European, 0.00085%; no homozygotes.

Submissions (2):

Ambry Genetics
Classification: Uncertain significance for Inborn genetic diseases. Last evaluated: 2024-12-02. Review status: criteria provided, single submitter. Criteria: Ambry Variant Classification Scheme 2023. Collection method: clinical testing. Allele origin: germline.

GeneDx
Classification: Uncertain significance. Last evaluated: 2022-09-16. Review status: criteria provided, single submitter. Criteria: GeneDx Variant Classification Process June 2021. Collection method: clinical testing. Allele origin: germline. Affected: yes.
Comment: Not observed at significant frequency in large population cohorts (gnomAD); In silico analysis supports that this missense variant does not alter protein structure/function; Has not been previously published as pathogenic or benign to our knowledge

NM_001206641.3(COA6):c.340A>G (p.Ser114Gly)

Gene: COA6 (cytochrome c oxidase assembly factor 6; plus strand). Cytogenetic location: 1q42.2.
Variant type: single nucleotide variant.
Coding change: c.340A>G on transcript NM_001206641.3 (MANE Select); coding-DNA position 340, A replaced by G.
Protein change: p.Ser114Gly; replaces serine 114 with glycine.
Molecular consequence: missense variant.
Genome position (GRCh38, 1-based): chr1:234,374,357, A>G. VCF-style: chr1-234374357-A-G. GRCh37 (hg19) VCF-style: chr1-234510103-A-G.
Other names: c.250A>G, p.Ser84Gly (NM_001012985.2); c.112A>G, p.Ser38Gly (NM_001301733.1); short protein forms S114G, S38G, S84G.
Identifiers: ClinVar variation 2444785 (VCV002444785.2), dbSNP rs201831552, ClinGen allele CA39497881.